The following is an entry in ClinVar:

NM_014028.4(OSTM1):c.*212A>G

Gene: OSTM1 (osteoclastogenesis associated transmembrane protein 1; minus strand). Cytogenetic location: 6q21.
Variant type: single nucleotide variant.
Coding change: c.*212A>G on transcript NM_014028.4 (MANE Select); 212 bases downstream of the stop codon, A replaced by G.
Molecular consequence: 3 prime UTR variant.
Genome position (GRCh38, 1-based): chr6:108,044,573, T>C on the plus strand (A>G on the coding strand, the complement: OSTM1 is on the minus strand). VCF-style: chr6-108044573-T-C. GRCh37 (hg19) VCF-style: chr6-108365777-T-C.
Identifiers: ClinVar variation 354978 (VCV000354978.5), dbSNP rs17069239, ClinGen allele CA10622725.

ClinVar aggregate classification (germline): Benign (1 of 4 stars; one submission).

Conditions:
Autosomal recessive osteopetrosis 5. Identifiers: Orphanet 85179, MedGen C1968603, MONDO:0009817, OMIM 259720.

Allele frequency attached by ClinVar (database versions not stated): gnomAD exomes 0.00571; gnomAD 0.01440 and 0.01518; 1000 Genomes Project 0.01478; 1000 Genomes Project 30x 0.01515; TOPMed 0.01630.
gnomAD v4.1: 3,922 of 449,262 alleles (0.87%); highest among the groups gnomAD compares: African/African-American, 3.9%; 44 homozygotes.

Submission:

Illumina Laboratory Services, Illumina
Classification: Benign for Autosomal recessive osteopetrosis 5. Last evaluated: 2018-01-13. Review status: criteria provided, single submitter. Criteria: ICSL Variant Classification Criteria 13 December 2019. Collection method: clinical testing. Allele origin: germline.
Comment: This variant was observed in the ICSL laboratory as part of a predisposition screen in an ostensibly healthy population. It had not been previously curated by ICSL or reported in the Human Gene Mutation Database (HGMD: prior to June 1st, 2018), and was therefore a candidate for classification through an automated scoring system. Utilizing variant allele frequency, disease prevalence and penetrance estimates, and inheritance mode, an automated score was calculated to assess if this variant is too frequent to cause the disease. Based on the score and internal cut-off values, a variant classified as benign is not then subjected to further curation. The score for this variant resulted in a classification of benign for this disease.